The following is an entry in ClinVar:

NM_020166.5(MCCC1):c.251_252del (p.Arg84fs)

Gene: MCCC1 (methylcrotonyl-CoA carboxylase subunit 1; minus strand). Cytogenetic location: 3q27.1.
Variant type: Deletion.
Coding change: c.251_252del on transcript NM_020166.5 (MANE Select); coding-DNA positions 251 to 252, 2 bases deleted (GA; older notation c.251_252delGA).
Protein change: p.Arg84fs; shifts the reading frame from arginine 84.
Molecular consequence: frameshift variant. On other transcripts: non-coding transcript variant (1), intron variant (2).
Genome position (GRCh38, 1-based): chr3:183,092,430-183,092,431, TC deleted on the plus strand (GA on the coding strand, the reverse complement: MCCC1 is on the minus strand); deleting any 2 consecutive bases within chr3:183,092,430-183,092,432 gives the same sequence; the c. name uses the placement nearest the transcript's 3' end. VCF-style (leftmost placement, unchanged base first): chr3-183092429-TTC-T. GRCh37 (hg19) VCF-style: chr3-182810217-TTC-T.
Other names: c.-55+2128_-55+2129del (NM_001363880.1); c.44+2128_44+2129del (NM_001293273.2); short protein forms R84fs.
Identifiers: ClinVar variation 3720548 (VCV003720548.2).

ClinVar aggregate classification (germline): Pathogenic (1 of 4 stars; one submission).

Conditions:
3-methylcrotonyl-CoA carboxylase 1 deficiency (MCC1D). Also called: MCCD TYPE 1; METHYLCROTONYLGLYCINURIA TYPE I; MCC 1 deficiency; 3 Alpha methylcrotonylglycinuria 1. Identifiers: Orphanet 6, MedGen CN028786, MONDO:0008861, OMIM 210200.

Submission:

Labcorp Genetics (formerly Invitae), Labcorp
Classification: Pathogenic for 3-methylcrotonyl-CoA carboxylase 1 deficiency. Last evaluated: 2024-08-31. Review status: criteria provided, single submitter. Criteria: Invitae Variant Classification Sherloc (09022015). Collection method: clinical testing. Allele origin: germline.
Comment: This sequence change creates a premature translational stop signal (p.Arg84Lysfs*10) in the MCCC1 gene. It is expected to result in an absent or disrupted protein product. Loss-of-function variants in MCCC1 are known to be pathogenic (PMID: 11181649, 15359379, 22642865). This variant is not present in population databases (gnomAD no frequency). This premature translational stop signal has been observed in individual(s) with 3-methylcrotonyl-CoA carboxylase deficiency (PMID: 16835865). This variant is also known as p.R84KfsX9. Algorithms developed to predict the effect of sequence changes on RNA splicing suggest that this variant may disrupt the consensus splice site. For these reasons, this variant has been classified as Pathogenic.

Literature cited by the submitters: PubMed 11181649; PubMed 15359379; PubMed 22642865; PubMed 16835865.